The following is an entry in ClinVar:

ClinVar aggregate classification (germline): Pathogenic (1 of 4 stars; one submission).

Submission:

Labcorp Genetics (formerly Invitae), Labcorp
Classification: Pathogenic. Last evaluated: 2022-06-01. Review status: criteria provided, single submitter. Criteria: Invitae Variant Classification Sherloc (09022015). Collection method: clinical testing. Allele origin: germline.
Comment: For these reasons, this variant has been classified as Pathogenic. This variant disrupts a region of the NR2E3 protein in which other variant(s) (p.Phe391Profs*15) have been determined to be pathogenic (PMID: 34440443; Invitae). This suggests that this is a clinically significant region of the protein, and that variants that disrupt it are likely to be disease-causing. This variant has not been reported in the literature in individuals affected with NR2E3-related conditions. This variant is a gross deletion of the genomic region encompassing exon(s) 8 of the NR2E3 gene, which includes the termination codon. This deletion extends beyond the assayed region for this gene and therefore may encompass additional genes. While this deletion is not anticipated to lead to nonsense mediated decay, it is expected to alter mRNA translation or result in a truncated protein product.

Literature cited by the submitters: PubMed 34440443.

NC_000015.9:g.(?_72109883)_(72110035_?)del

Gene: NR2E3 (nuclear receptor subfamily 2 group E member 3; plus strand). Cytogenetic location: 15q23.
Variant type: Deletion.
Identifiers: ClinVar variation 2425924 (VCV002425924.4).